The following is an entry in ClinVar:

NM_020843.4(SCAPER):c.1480C>A (p.Leu494Ile)

Gene: SCAPER (S-phase cyclin A associated protein in the ER; minus strand). Cytogenetic location: 15q24.3.
Variant type: single nucleotide variant.
Coding change: c.1480C>A on transcript NM_020843.4 (MANE Select); coding-DNA position 1480, C replaced by A.
Protein change: p.Leu494Ile; replaces leucine 494 with isoleucine.
Molecular consequence: missense variant. On other transcripts: non-coding transcript variant (1).
Genome position (GRCh38, 1-based): chr15:76,765,578, G>T on the plus strand (C>A on the coding strand, the complement: SCAPER is on the minus strand). VCF-style: chr15-76765578-G-T. GRCh37 (hg19) VCF-style: chr15-77057919-G-T.
Other names: c.742C>A, p.Leu248Ile (NM_001145923.2); c.1498C>A, p.Leu500Ile (NM_001353009.2); c.1078C>A, p.Leu360Ile (NM_001353010.2, NM_001353012.2); c.1096C>A, p.Leu366Ile (NM_001353011.2); c.1498C>A (NM_001353009.1); short protein forms L360I, L366I, L500I, L248I, L494I.
Identifiers: ClinVar variation 4925986 (VCV004925986.2).

ClinVar aggregate classification (germline): Uncertain significance. Review status: criteria provided, multiple submitters, no conflicts (2 of 4 stars). 2 submissions from 2 submitters: Uncertain significance (2). Last evaluated 2025-12-28.

Conditions:
SCAPER-related disorder. Also called: SCAPER-related condition.

gnomAD v4.1: 11 of 1,594,372 alleles (0.00069%); highest among the groups gnomAD compares: East Asian, 0.009%; no homozygotes.

Submissions (2):

PreventionGenetics, part of Exact Sciences
Classification: Uncertain significance for SCAPER-related condition. Last evaluated: 2025-12-28. Review status: criteria provided, single submitter. Criteria: ACMG Guidelines, 2015. Collection method: clinical testing. Allele origin: germline.
Comment: The SCAPER c.1498C>A variant is predicted to result in the amino acid substitution p.Leu500Ile. To our knowledge, this variant has not been reported in the literature. This variant is reported in 0.0058% of alleles in individuals of East Asian descent in gnomAD. At this time, the clinical significance of this variant is uncertain due to the absence of conclusive functional and genetic evidence.

Blueprint Genetics
Classification: Uncertain significance. Last evaluated: 2024-02-13. Review status: criteria provided, single submitter. Criteria: ACMG Guidelines, 2015. Collection method: clinical testing. Allele origin: germline.